The following is an entry in ClinVar:

ClinVar aggregate classification (germline): Uncertain significance (1 of 4 stars; one submission).

Conditions:
Familial cancer of breast. Also called: Hereditary breast cancer; BREAST CANCER, FAMILIAL; hereditary breast carcinoma. Identifiers: Orphanet 227535, MedGen C0346153, MONDO:0016419, OMIM 114480. Disease mechanism: loss of function.

Submission:

Labcorp Genetics (formerly Invitae), Labcorp
Classification: Uncertain significance for Familial cancer of breast. Last evaluated: 2024-10-23. Review status: criteria provided, single submitter. Criteria: Invitae Variant Classification Sherloc (09022015). Collection method: clinical testing. Allele origin: germline.
Comment: This sequence change replaces cysteine, which is neutral and slightly polar, with phenylalanine, which is neutral and non-polar, at codon 304 of the BARD1 protein (p.Cys304Phe). This variant is not present in population databases (gnomAD no frequency). This variant has not been reported in the literature in individuals affected with BARD1-related conditions. An algorithm developed to predict the effect of missense changes on protein structure and function (PolyPhen-2) suggests that this variant is likely to be disruptive. In summary, the available evidence is currently insufficient to determine the role of this variant in disease. Therefore, it has been classified as a Variant of Uncertain Significance.

NM_000465.4(BARD1):c.911G>T (p.Cys304Phe)

Gene: BARD1 (BRCA1 associated RING domain 1; minus strand). Cytogenetic location: 2q35.
Variant type: single nucleotide variant.
Coding change: c.911G>T on transcript NM_000465.4 (MANE Select); coding-DNA position 911, G replaced by T.
Protein change: p.Cys304Phe; replaces cysteine 304 with phenylalanine.
Molecular consequence: missense variant. On other transcripts: intron variant (3), non-coding transcript variant (2).
Genome position (GRCh38, 1-based): chr2:214,780,963, C>A on the plus strand (G>T on the coding strand, the complement: BARD1 is on the minus strand). VCF-style: chr2-214780963-C-A. GRCh37 (hg19) VCF-style: chr2-215645687-C-A.
Other names: c.215+16098G>T (NM_001282545.2); c.364+11334G>T (NM_001282549.2); c.854G>T, p.Cys285Phe (NM_001282543.2); c.159-28408G>T (NM_001282548.2); short protein forms C285F, C304F.
Identifiers: ClinVar variation 3723584 (VCV003723584.2).
Genomic context (GRCh38, chr2:214,780,963, plus strand): 5'-TGGCCACGTTTTCCATTATTTTCTAATGGCAAAGATTTCTTAGATGTAAGATAATTTTTG[C>A]AGACCTTCTCAGGAGTCACTACTTCATTCCTGCTCTTAGTGTCTGGAGACTCTATTTGCT-3'
Protein context (NP_000456.2, residues 294-314): RNEVVTPEKV[Cys304Phe]KNYLTSKKSL